The following is an entry in ClinVar:

ClinVar aggregate classification (germline): Uncertain significance (1 of 4 stars; one submission).

Conditions:
Autosomal dominant Parkinson disease 8. Also called: LRRK2-Related Parkinson Disease; Parkinson disease 8; Parkinson disease 8, susceptibility to. Identifiers: Orphanet 411602, MedGen C1846862, MONDO:0011764, OMIM 607060.

gnomAD v4.1: 2 of 1,611,664 alleles (0.00012%); highest among the groups gnomAD compares: Admixed American, 0.0033%; no homozygotes.

Submission:

Labcorp Genetics (formerly Invitae), Labcorp
Classification: Uncertain significance for Autosomal dominant Parkinson disease 8. Last evaluated: 2026-01-19. Review status: criteria provided, single submitter. Criteria: Invitae Variant Classification Sherloc (09022015). Collection method: clinical testing. Allele origin: germline.
Comment: This sequence change replaces serine, which is neutral and polar, with threonine, which is neutral and polar, at codon 2350 of the LRRK2 protein (p.Ser2350Thr). This variant is not present in population databases (gnomAD no frequency). This variant has not been reported in the literature in individuals affected with LRRK2-related conditions. ClinVar contains an entry for this variant (Variation ID: 3707334). Invitae Evidence Modeling of protein sequence and biophysical properties (such as structural, functional, and spatial information, amino acid conservation, physicochemical variation, residue mobility, and thermodynamic stability) has been performed for this missense variant. However, the output from this modeling did not meet the statistical confidence thresholds required to predict the impact of this variant on LRRK2 protein function. In summary, the available evidence is currently insufficient to determine the role of this variant in disease. Therefore, it has been classified as a Variant of Uncertain Significance.

NM_198578.4(LRRK2):c.7049G>C (p.Ser2350Thr)

Gene: LRRK2 (leucine rich repeat kinase 2; plus strand). Cytogenetic location: 12q12.
Variant type: single nucleotide variant.
Coding change: c.7049G>C on transcript NM_198578.4 (MANE Select); coding-DNA position 7049, G replaced by C.
Protein change: p.Ser2350Thr; replaces serine 2350 with threonine.
Molecular consequence: missense variant.
Genome position (GRCh38, 1-based): chr12:40,363,422, G>C. VCF-style: chr12-40363422-G-C. GRCh37 (hg19) VCF-style: chr12-40757224-G-C.
Other names: short protein forms S2350T.
Identifiers: ClinVar variation 3707334 (VCV003707334.2).